The following is an entry in ClinVar:

NM_020719.3(PRR12):c.4078C>G (p.Pro1360Ala)

Gene: PRR12 (proline rich 12; plus strand). Cytogenetic location: 19q13.33.
Variant type: single nucleotide variant.
Coding change: c.4078C>G on transcript NM_020719.3 (MANE Select); coding-DNA position 4078, C replaced by G.
Protein change: p.Pro1360Ala; replaces proline 1360 with alanine.
Molecular consequence: missense variant.
Genome position (GRCh38, 1-based): chr19:49,599,671, C>G. VCF-style: chr19-49599671-C-G. GRCh37 (hg19) VCF-style: chr19-50102928-C-G.
Other names: c.4078C>G (NM_020719.1); short protein forms P1360A.
Identifiers: ClinVar variation 3375100 (VCV003375100.2).
Genomic context (GRCh38, chr19:49,599,671, plus strand): 5'-GCCTTTGGGCTTGGGGGCGCCCTGGAGGCTGCAGAGAGTGAGGGTCTGGGGCTTGGCTGC[C>G]CTTCACCCTGCAAGCGGCTTGATGAGGAGCTGAAGCGGAACCTCGAGACGCTGCCCTCCT-3'
Protein context (NP_065770.1, residues 1350-1370): AESEGLGLGC[Pro1360Ala]SPCKRLDEEL

ClinVar aggregate classification (germline): Uncertain significance. Review status: criteria provided, multiple submitters, no conflicts (2 of 4 stars). 2 submissions from 2 submitters: Uncertain significance (2). Last evaluated 2025-12-02.

Conditions:
Inborn genetic diseases. Identifiers: MedGen C0950123, MeSH D030342.

Submissions (2):

Ambry Genetics
Classification: Uncertain significance for Inborn genetic diseases. Last evaluated: 2025-12-02. Review status: criteria provided, single submitter. Criteria: Ambry Variant Classification Scheme 2023. Collection method: clinical testing. Allele origin: germline.

Women's Health and Genetics/Laboratory Corporation of America, LabCorp
Classification: Uncertain significance. Last evaluated: 2024-09-03. Review status: criteria provided, single submitter. Criteria: LabCorp Variant Classification Summary - May 2015. Collection method: clinical testing. Allele origin: germline.
Comment: Variant summary: PRR12 c.4078C>G (p.Pro1360Ala) results in a non-conservative amino acid change in the encoded protein sequence. Three of five in-silico tools predict a damaging effect of the variant on protein function. The variant was absent in 1613082 control chromosomes. The available data on variant occurrences in the general population are insufficient to allow any conclusion about variant significance. To our knowledge, no occurrence of c.4078C>G in individuals affected with Neuroocular Syndrome and no experimental evidence demonstrating its impact on protein function have been reported. No submitters have cited clinical-significance assessments for this variant to ClinVar. Based on the evidence outlined above, the variant was classified as uncertain significance.